The following is an entry in ClinVar:

ClinVar aggregate classification (germline): Uncertain significance. Review status: criteria provided, multiple submitters, no conflicts (2 of 4 stars). 2 submissions from 2 submitters: Uncertain significance (2). Last evaluated 2026-05-18.

Conditions:
DYNC1H1-related disorder. Also called: DYNC1H1-related condition; DYNC1H1-related disorders. Identifiers: MedGen CN381529.
Charcot-Marie-Tooth disease axonal type 2O. Also called: Charcot-Marie-Tooth disease, axonal, type 20; CHARCOT-MARIE-TOOTH NEUROPATHY, AXONAL, TYPE 2O; CHARCOT-MARIE-TOOTH DISEASE, AXONAL, AUTOSOMAL DOMINANT, TYPE 2O; Charcot-Marie-Tooth Neuropathy Type 2O. Identifiers: Orphanet 284232, MedGen C3280220, MONDO:0013644, OMIM 614228.

Allele frequency attached by ClinVar (database versions not stated): gnomAD exomes below 0.00001; gnomAD 0.00001; TOPMed 0.00001.
gnomAD v4.1: 4 of 1,614,072 alleles (0.00025%); highest among the groups gnomAD compares: South Asian, 0.0022%; no homozygotes.

Submissions (2):

PreventionGenetics, part of Exact Sciences
Classification: Uncertain significance for DYNC1H1-related condition. Last evaluated: 2026-05-18. Review status: criteria provided, single submitter. Criteria: ACMG Guidelines, 2015. Collection method: clinical testing. Allele origin: germline.
Comment: The DYNC1H1 c.3493G>A variant is predicted to result in the amino acid substitution p.Asp1165Asn. To our knowledge, this variant has not been reported in the literature. This variant is reported in 0.0033% of alleles in individuals of South Asian descent in gnomAD. At this time, the clinical significance of this variant is uncertain due to the absence of conclusive functional and genetic evidence.

Labcorp Genetics (formerly Invitae), Labcorp
Classification: Uncertain significance for Charcot-Marie-Tooth disease axonal type 2O. Last evaluated: 2024-12-02. Review status: criteria provided, single submitter. Criteria: Invitae Variant Classification Sherloc (09022015). Collection method: clinical testing. Allele origin: germline.
Comment: This sequence change replaces aspartic acid, which is acidic and polar, with asparagine, which is neutral and polar, at codon 1165 of the DYNC1H1 protein (p.Asp1165Asn). The frequency data for this variant in the population databases is considered unreliable, as metrics indicate poor data quality at this position in the gnomAD database. This variant has not been reported in the literature in individuals affected with DYNC1H1-related conditions. ClinVar contains an entry for this variant (Variation ID: 2193854). Invitae Evidence Modeling of protein sequence and biophysical properties (such as structural, functional, and spatial information, amino acid conservation, physicochemical variation, residue mobility, and thermodynamic stability) indicates that this missense variant is expected to disrupt DYNC1H1 protein function with a positive predictive value of 95%. In summary, the available evidence is currently insufficient to determine the role of this variant in disease. Therefore, it has been classified as a Variant of Uncertain Significance.

NM_001376.5(DYNC1H1):c.3493G>A (p.Asp1165Asn)

Gene: DYNC1H1 (dynein cytoplasmic 1 heavy chain 1; plus strand). Cytogenetic location: 14q32.31.
Variant type: single nucleotide variant.
Coding change: c.3493G>A on transcript NM_001376.5 (MANE Select); coding-DNA position 3493, G replaced by A.
Protein change: p.Asp1165Asn; replaces aspartic acid 1165 with asparagine.
Molecular consequence: missense variant.
Genome position (GRCh38, 1-based): chr14:101,995,229, G>A. VCF-style: chr14-101995229-G-A. GRCh37 (hg19) VCF-style: chr14-102461566-G-A.
Other names: short protein forms D1165N.
Identifiers: ClinVar variation 2193854 (VCV002193854.5), dbSNP rs1265803876, ClinGen allele CA391035291.